The following is an entry in ClinVar:

NM_001134363.3(RBM20):c.2605C>T (p.Gln869Ter)

Gene: RBM20 (RNA binding motif protein 20; plus strand). Cytogenetic location: 10q25.2.
Variant type: single nucleotide variant.
Coding change: c.2605C>T on transcript NM_001134363.3 (MANE Select); coding-DNA position 2605, C replaced by T.
Protein change: p.Gln869Ter; replaces glutamine 869 with a stop codon.
Molecular consequence: nonsense.
Genome position (GRCh38, 1-based): chr10:110,820,126, C>T. VCF-style: chr10-110820126-C-T. GRCh37 (hg19) VCF-style: chr10-112579884-C-T.
Other names: short protein forms Q869*.
Identifiers: ClinVar variation 576849 (VCV000576849.8), dbSNP rs1564663888, ClinGen allele CA378376853.

ClinVar aggregate classification (germline): Conflicting classifications of pathogenicity. Review status: criteria provided, conflicting classifications (1 of 4 stars). 2 submissions from 2 submitters: Pathogenic (1); Uncertain significance (1). Last evaluated 2025-12-01.

Conditions:
Dilated cardiomyopathy 1DD (CMD1DD). Identifiers: Orphanet 154, MedGen C2750995, MONDO:0013168, OMIM 613172.

Submissions (2):

Labcorp Genetics (formerly Invitae), Labcorp
Classification: Pathogenic for Dilated cardiomyopathy 1DD. Last evaluated: 2025-12-01. Review status: criteria provided, single submitter. Criteria: Invitae Variant Classification Sherloc (09022015). Collection method: clinical testing. Allele origin: germline.
Comment: This sequence change creates a premature translational stop signal (p.Gln869*) in the RBM20 gene. It is expected to result in an absent or disrupted protein product. Loss-of-function variants in RBM20 are known to be pathogenic (PMID: 20590677, 22004663, 38288598, 38510713, 40339755). This variant is not present in population databases (gnomAD no frequency). This variant has not been reported in the literature in individuals affected with RBM20-related conditions. ClinVar contains an entry for this variant (Variation ID: 576849). For these reasons, this variant has been classified as Pathogenic.

GeneDx
Classification: Uncertain significance. Last evaluated: 2019-12-02. Review status: criteria provided, single submitter. Criteria: GeneDx Variant Classification Process June 2021. Collection method: clinical testing. Allele origin: germline. Affected: yes.
Comment: Has not been previously published as pathogenic or benign to our knowledge; Not observed in large population cohorts (Lek et al., 2016); Nonsense variant predicted to result in protein truncation or nonsense mediated decay in a gene for which loss-of-function is not a known mechanism of disease

Literature cited by the submitters: PubMed 20590677 (cited by Labcorp Genetics (formerly Invitae), Labcorp); PubMed 22004663 (cited by Labcorp Genetics (formerly Invitae), Labcorp); PubMed 38288598 (cited by Labcorp Genetics (formerly Invitae), Labcorp); PubMed 38510713 (cited by Labcorp Genetics (formerly Invitae), Labcorp); PubMed 40339755 (cited by Labcorp Genetics (formerly Invitae), Labcorp).